The following is an entry in ClinVar:

ClinVar aggregate classification (germline): Pathogenic/Likely pathogenic. Review status: criteria provided, multiple submitters, no conflicts (2 of 4 stars). 3 submissions from 3 submitters: Pathogenic (2); Likely pathogenic (1). Last evaluated 2023-01-15.

Conditions:
Type 2 diabetes mellitus. Also called: Type II diabetes mellitus. Identifiers: MedGen C0011860, MeSH D003924, MONDO:0005148, OMIM 125853, HP:0005978.
Nonpapillary renal cell carcinoma. Identifiers: Orphanet 422526, MedGen CN074294, MONDO:0007763, OMIM 144700.
Renal cysts and diabetes syndrome (RCAD). Also called: Familial hypoplastic, glomerulocystic kidney; MATURITY-ONSET DIABETES OF THE YOUNG, TYPE 5. Identifiers: Orphanet 93111, MedGen C0431693, MONDO:0007669, OMIM 137920.

Submissions (3):

Labcorp Genetics (formerly Invitae), Labcorp
Classification: Likely pathogenic. Last evaluated: 2023-01-15. Review status: criteria provided, single submitter. Criteria: Invitae Variant Classification Sherloc (09022015). Collection method: clinical testing. Allele origin: germline.
Comment: In summary, the currently available evidence indicates that the variant is pathogenic, but additional data are needed to prove that conclusively. Therefore, this variant has been classified as Likely Pathogenic. Algorithms developed to predict the effect of sequence changes on RNA splicing suggest that this variant may disrupt the consensus splice site. ClinVar contains an entry for this variant (Variation ID: 635647). Disruption of this splice site has been observed in individual(s) with clinical features of renal cysts and diabetes syndrome (PMID: 20378641). This variant is not present in population databases (gnomAD no frequency). This sequence change affects a donor splice site in intron 3 of the HNF1B gene. It is expected to disrupt RNA splicing. Variants that disrupt the donor or acceptor splice site typically lead to a loss of protein function (PMID: 16199547), and loss-of-function variants in HNF1B are known to be pathogenic (PMID: 9398836, 12148114, 15068978, 20378641).

Fulgent Genetics
Classification: Pathogenic for Type 2 diabetes mellitus; Renal cysts and diabetes syndrome; Nonpapillary renal cell carcinoma. Last evaluated: 2021-08-30. Review status: criteria provided, single submitter. Criteria: ACMG Guidelines, 2015. Collection method: clinical testing. Allele origin: unknown.

Institute of Human Genetics, FAU Erlangen, Friedrich-Alexander-Universität Erlangen-Nürnberg
Classification: Pathogenic for Renal cysts and diabetes syndrome. Last evaluated: 2019-07-06. Review status: criteria provided, single submitter. Criteria: ACMG Guidelines, 2015. Collection method: literature only. Allele origin: germline. Affected: yes.
Comment: This variant and it's classification has been reported by Vasileiou et al. 2019; DOI:10.1101/576918. The variants has previously been reported in PMID:20378641; PMID:25700310; PMID:20378641; PMID:25536396 as "IVS3 809 + 1G->A; c.809+1G>A; c.809+1G>A" with clinical significance Pathogenic. It has been re-classified using InterVar and manual curation as Pathogenic based on PVS1 PM2 PP3.

Literature cited by the submitters: PubMed 20378641 (cited by Labcorp Genetics (formerly Invitae), Labcorp and Institute of Human Genetics, FAU Erlangen, Friedrich-Alexander-Universität Erlangen-Nürnberg); PubMed 16199547 (cited by Labcorp Genetics (formerly Invitae), Labcorp); PubMed 9398836 (cited by Labcorp Genetics (formerly Invitae), Labcorp); PubMed 12148114 (cited by Labcorp Genetics (formerly Invitae), Labcorp); PubMed 15068978 (cited by Labcorp Genetics (formerly Invitae), Labcorp); PubMed 25700310 (cited by Institute of Human Genetics, FAU Erlangen, Friedrich-Alexander-Universität Erlangen-Nürnberg); PubMed 25536396 (cited by Institute of Human Genetics, FAU Erlangen, Friedrich-Alexander-Universität Erlangen-Nürnberg); DOI 10.1101/576918 (cited by Institute of Human Genetics, FAU Erlangen, Friedrich-Alexander-Universität Erlangen-Nürnberg).

NM_000458.4(HNF1B):c.809+1G>A

Genes: HNF1B (HNF1 homeobox B; minus strand), LOC126862549 (BRD4-independent group 4 enhancer GRCh37_chr17:36093401-36094600; plus strand). Cytogenetic location: 17q12.
Variant type: single nucleotide variant.
Coding change: c.809+1G>A on transcript NM_000458.4 (MANE Select); the canonical splice donor site of the intron after coding-DNA position 809, G replaced by A.
Molecular consequence: splice donor variant.
Genome position (GRCh38, 1-based): chr17:37,733,556, C>T on the plus strand (G>A on the coding strand, the complement: HNF1B is on the minus strand). VCF-style: chr17-37733556-C-T. GRCh37 (hg19) VCF-style: chr17-36093549-C-T.
Other names: c.731+1G>A (NM_001304286.2, NM_001165923.4); c.809+1G>A (NM_001411100.1).
Identifiers: ClinVar variation 635647 (VCV000635647.5), dbSNP rs1555830002, ClinGen allele CA398747844.